The following is an entry in ClinVar:

ClinVar aggregate classification (germline): Uncertain significance (1 of 4 stars; one submission).

Allele frequency attached by ClinVar (database versions not stated): TOPMed below 0.00001; ExAC 0.00001; gnomAD exomes 0.00002.
gnomAD v4.1: 23 of 1,614,170 alleles (0.0014%); highest among the groups gnomAD compares: East Asian, 0.0022%; no homozygotes.

Submission:

Labcorp Genetics (formerly Invitae), Labcorp
Classification: Uncertain significance. Last evaluated: 2022-02-08. Review status: criteria provided, single submitter. Criteria: Invitae Variant Classification Sherloc (09022015). Collection method: clinical testing. Allele origin: germline.
Comment: This sequence change replaces valine, which is neutral and non-polar, with isoleucine, which is neutral and non-polar, at codon 75 of the CD59 protein (p.Val75Ile). This variant is present in population databases (rs745985153, gnomAD 0.0009%). This variant has not been reported in the literature in individuals affected with CD59-related conditions. Algorithms developed to predict the effect of missense changes on protein structure and function output the following: SIFT: "Tolerated"; PolyPhen-2: "Benign"; Align-GVGD: "Class C0". The isoleucine amino acid residue is found in multiple mammalian species, which suggests that this missense change does not adversely affect protein function. In summary, the available evidence is currently insufficient to determine the role of this variant in disease. Therefore, it has been classified as a Variant of Uncertain Significance.

NM_000611.6(CD59):c.223G>A (p.Val75Ile)

Gene: CD59 (CD59 molecule (CD59 blood group); minus strand). Cytogenetic location: 11p13.
Variant type: single nucleotide variant.
Coding change: c.223G>A on transcript NM_000611.6 (MANE Select); coding-DNA position 223, G replaced by A.
Protein change: p.Val75Ile; replaces valine 75 with isoleucine.
Molecular consequence: missense variant.
Genome position (GRCh38, 1-based): chr11:33,710,290, C>T on the plus strand (G>A on the coding strand, the complement: CD59 is on the minus strand). VCF-style: chr11-33710290-C-T. GRCh37 (hg19) VCF-style: chr11-33731836-C-T.
Other names: c.223G>A, p.Val75Ile (NM_001127223.1, NM_001127225.2, NM_001127226.2 and 4 more transcripts); short protein forms V75I.
Identifiers: ClinVar variation 2413718 (VCV002413718.2), dbSNP rs745985153, ClinGen allele CA5940732.